The following is an entry in ClinVar:

ClinVar aggregate classification (germline): Uncertain significance. Review status: criteria provided, multiple submitters, no conflicts (2 of 4 stars). 2 submissions from 2 submitters: Uncertain significance (2). Last evaluated 2020-01-31.

Conditions:
Cardiovascular phenotype. Identifiers: MedGen CN230736.

Allele frequency attached by ClinVar (database versions not stated): gnomAD exomes below 0.00001; ExAC 0.00003; gnomAD 0.00003; TOPMed 0.00003; ESP Exome Variant Server 0.00008.
gnomAD v4.1: 12 of 1,613,564 alleles (0.00074%); highest among the groups gnomAD compares: African/African-American, 0.015%; no homozygotes.

Submissions (2):

Ambry Genetics
Classification: Uncertain significance for Cardiovascular phenotype. Last evaluated: 2020-01-31. Review status: criteria provided, single submitter. Criteria: Ambry Variant Classification Scheme 2023. Collection method: clinical testing. Allele origin: germline.
Comment: The p.D19413N variant (also known as c.58237G>A), located in coding exon 153 of the TTN gene, results from a G to A substitution at nucleotide position 58237. The aspartic acid at codon 19413 is replaced by asparagine, an amino acid with highly similar properties. This amino acid position is poorly conserved in available vertebrate species. In addition, this alteration is predicted to be tolerated by in silico analysis. Since supporting evidence is limited at this time, the clinical significance of this alteration remains unclear.

Revvity Omics, Revvity
Classification: Uncertain significance. Last evaluated: 2020-01-31. Review status: criteria provided, single submitter. Criteria: ACMG Guidelines, 2015. Collection method: clinical testing. Allele origin: germline.

NM_001267550.2(TTN):c.85432G>A (p.Asp28478Asn)

Genes: TTN (titin; minus strand), TTN-AS1 (TTN antisense RNA 1; plus strand). Cytogenetic location: 2q31.2.
Variant type: single nucleotide variant.
Coding change: c.85432G>A on transcript NM_001267550.2 (MANE Select); coding-DNA position 85432, G replaced by A.
Protein change: p.Asp28478Asn; replaces aspartic acid 28478 with asparagine.
Molecular consequence: missense variant.
Genome position (GRCh38, 1-based): chr2:178,560,700, C>T on the plus strand (G>A on the coding strand, the complement: TTN is on the minus strand). VCF-style: chr2-178560700-C-T. GRCh37 (hg19) VCF-style: chr2-179425427-C-T.
Other names: c.80509G>A, p.Asp26837Asn (NM_001256850.1); c.58237G>A, p.Asp19413Asn (NM_003319.4); c.77728G>A, p.Asp25910Asn (NM_133378.4); c.58612G>A, p.Asp19538Asn (NM_133432.3); c.58813G>A, p.Asp19605Asn (NM_133437.4); short protein forms D19413N, D19538N, D19605N, D28478N, D25910N, D26837N.
Identifiers: ClinVar variation 1749904 (VCV001749904.5), dbSNP rs375744985, ClinGen allele CA1988646.
Genomic context (GRCh38, chr2:178,560,700, plus strand): 5'-ATGCAAGGTGGCTTGTTTCACGTTTTTCTACGATGTAATAGTCGATATCTGCACCACCAT[C>T]TTCTTGGGGACGTCCCCAGGAAAGAGAGCATTTCTCAGCAGTGAGGCCATTTATTTCAAG-3'
Protein context (NP_001254479.2, residues 28468-28488): CSLSWGRPQE[Asp28478Asn]GGADIDYYIV